The following is an entry in ClinVar:

ClinVar aggregate classification (germline): Uncertain significance (1 of 4 stars; one submission).

Submission:

CeGaT Center for Human Genetics Tuebingen
Classification: Uncertain significance. Last evaluated: 2024-10-01. Review status: criteria provided, single submitter. Criteria: CeGaT Center For Human Genetics Tuebingen Variant Classification Criteria Version 2. Collection method: clinical testing. Allele origin: germline. Affected: yes. Observed: 1 variant allele.
Comment: BLK: PM2, BP4

NM_001715.3(BLK):c.832C>G (p.Pro278Ala)

Genes: BLK (BLK proto-oncogene, Src family tyrosine kinase), BLK-AS1 (BLK antisense RNA 1). Cytogenetic location: 8p23.1.
Variant type: single nucleotide variant.
Coding change: c.832C>G on transcript NM_001715.3 (MANE Select); coding-DNA position 832, C replaced by G.
Protein change: p.Pro278Ala; replaces proline 278 with alanine.
Molecular consequence: missense variant.
Genome position (GRCh38, 1-based): chr8:11,556,717, C>G. VCF-style: chr8-11556717-C-G. GRCh37 (hg19) VCF-style: chr8-11414226-C-G.
Other names: c.619C>G, p.Pro207Ala (NM_001330465.2); short protein forms P207A, P278A.
Identifiers: ClinVar variation 3389994 (VCV003389994.14).